The following is an entry in ClinVar:

NM_001018115.3(FANCD2):c.100A>G (p.Lys34Glu)

Genes: FANCD2 (FA complementation group D2; plus strand), LOC107303338 (3p25 FANCD2 Alu-mediated recombination region; plus strand). Cytogenetic location: 3p25.3.
Variant type: single nucleotide variant.
Coding change: c.100A>G on transcript NM_001018115.3 (MANE Select); coding-DNA position 100, A replaced by G.
Protein change: p.Lys34Glu; replaces lysine 34 with glutamic acid.
Molecular consequence: missense variant.
Genome position (GRCh38, 1-based): chr3:10,032,867, A>G. VCF-style: chr3-10032867-A-G. GRCh37 (hg19) VCF-style: chr3-10074551-A-G.
Other names: c.100A>G, p.Lys34Glu (NM_001319984.2, NM_001374253.1, NM_001374254.1 and 2 more transcripts); short protein forms K34E.
Identifiers: ClinVar variation 1376881 (VCV001376881.3), dbSNP rs1394658178, ClinGen allele CA351718062.
Genomic context (GRCh38, chr3:10,032,867, plus strand): 5'-TTCTTGAAAATTTTTCTATTTTCAGAAACCAGGAAGCAACCACTTTCCAAAAAGACAAAG[A>G]AATCTCATATTGCTAATGAAGTTGAAGAAAATGACAGCATCTTTGTAAAGCTTCTTAAGA-3'
Protein context (NP_001018125.1, residues 24-44): RKQPLSKKTK[Lys34Glu]SHIANEVEEN

ClinVar aggregate classification (germline): Uncertain significance (1 of 4 stars; one submission).

Conditions:
Fanconi anemia (FA). Also called: Fanconi's anemia. Identifiers: Orphanet 84, MedGen C0015625, MeSH D005199, MONDO:0019391.

Allele frequency attached by ClinVar (database versions not stated): gnomAD exomes below 0.00001.
gnomAD v4.1: 4 of 1,613,132 alleles (0.00025%); highest among the groups gnomAD compares: East Asian, 0.0022%; no homozygotes.

Submission:

Labcorp Genetics (formerly Invitae), Labcorp
Classification: Uncertain significance for Fanconi anemia. Last evaluated: 2021-11-01. Review status: criteria provided, single submitter. Criteria: Invitae Variant Classification Sherloc (09022015). Collection method: clinical testing. Allele origin: germline.
Comment: This sequence change replaces lysine, which is basic and polar, with glutamic acid, which is acidic and polar, at codon 34 of the FANCD2 protein (p.Lys34Glu). This variant is present in population databases (no rsID available, gnomAD 0.006%). This variant has not been reported in the literature in individuals affected with FANCD2-related conditions. Algorithms developed to predict the effect of missense changes on protein structure and function output the following: SIFT: "Tolerated"; PolyPhen-2: "Benign"; Align-GVGD: "Class C0". The glutamic acid amino acid residue is found in multiple mammalian species, which suggests that this missense change does not adversely affect protein function. In summary, the available evidence is currently insufficient to determine the role of this variant in disease. Therefore, it has been classified as a Variant of Uncertain Significance.